The following is an entry in ClinVar:

ClinVar aggregate classification (germline): Likely pathogenic (1 of 4 stars; one submission).

gnomAD v4.1: 5 of 1,602,294 alleles (0.00031%); highest among the groups gnomAD compares: African/African-American, 0.0067%; no homozygotes.

Submission:

GeneDx
Classification: Likely pathogenic. Last evaluated: 2026-08-04. Review status: criteria provided, single submitter. Criteria: GeneDx Variant Classification Process June 2021. Collection method: clinical testing. Allele origin: germline.
Comment: Canonical splice site variant predicted to result in an in-frame loss of the adjacent exon in a gene for which loss of function is a known mechanism of disease; Not observed at significant frequency in large population cohorts (gnomAD); Has not been previously published as pathogenic or benign to our knowledge

NM_001001331.4(ATP2B2):c.397+2T>C

Gene: ATP2B2 (ATPase plasma membrane Ca2+ transporting 2; minus strand). Cytogenetic location: 3p25.3.
Variant type: single nucleotide variant.
Coding change: c.397+2T>C on transcript NM_001001331.4 (MANE Select); the canonical splice donor site of the intron after coding-DNA position 397, T replaced by C.
Molecular consequence: splice donor variant.
Genome position (GRCh38, 1-based): chr3:10,410,616, A>G on the plus strand (T>C on the coding strand, the complement: ATP2B2 is on the minus strand). VCF-style: chr3-10410616-A-G. GRCh37 (hg19) VCF-style: chr3-10452300-A-G.
Other names: c.397+2T>C (NM_001353564.1, NM_001683.5, NM_001330611.3 and 1 more transcripts).
Identifiers: ClinVar variation 3573553 (VCV003573553.2).